The following is an entry in ClinVar:

NM_003742.4(ABCB11):c.3641delinsTT (p.Ser1214fs)

Gene: ABCB11 (ATP binding cassette subfamily B member 11; minus strand). Cytogenetic location: 2q31.1.
Variant type: Indel.
Coding change: c.3641delinsTT on transcript NM_003742.4 (MANE Select); coding-DNA position 3641, C replaced by TT.
Protein change: p.Ser1214fs; shifts the reading frame from serine 1214.
Molecular consequence: frameshift variant.
Genome position (GRCh38, 1-based): chr2:168,924,781, G replaced by AA on the plus strand (C replaced by TT on the coding strand, the reverse complement: ABCB11 is on the minus strand). VCF-style: chr2-168924781-G-AA. GRCh37 (hg19) VCF-style: chr2-169781291-G-AA.
Other names: short protein forms S1214fs.
Identifiers: ClinVar variation 4846172 (VCV004846172.1).
Genomic context (GRCh38, chr2:168,924,781, plus strand): 5'-ACAATGGCCCGAGCAATAGCAATGCGTTGTTTCTCCCCTCTAGAGAGTTGAGACCCCTGG[G>AA]ACCCAACGTTAGTTTCATATTTCTGAAAAAAAGTATGATAAGTTTGAGAAATAGAAACAG-3'

ClinVar aggregate classification (germline): Likely pathogenic (1 of 4 stars; one submission).

Conditions:
Familial intrahepatic cholestasis. Identifiers: Orphanet 284385, MedGen CN296401, MONDO:0017290.

Submission:

Genomenon, Inc
Classification: Likely pathogenic for Familial intrahepatic cholestasis. Last evaluated: 2026-04-14. Review status: criteria provided, single submitter. Criteria: Genomenon Sequence Variant Interpretation Standards - Updated. Collection method: curation. Allele origin: germline. Affected: yes.
Comment: ABCB11 p.Ser1214PhefsTer8 (c.3641delinsTT) is a frameshift variant that results in the production of a truncated protein which is predicted to undergo nonsense-mediated mRNA decay. This variant has been observed in at least one individual with transient neonatal cholestasis (PMID:32808743). It is absent or not present at a significant frequency in gnomAD. In conclusion, we classify ABCB11 p.Ser1214PhefsTer8 (c.3641delinsTT) as a likely pathogenic variant.

Literature cited by the submitters: PubMed 32808743.